The following is an entry in ClinVar:

NM_198391.3(FLRT3):c.1343C>T (p.Ala448Val)

Genes: FLRT3 (fibronectin leucine rich transmembrane protein 3; minus strand), MACROD2 (mono-ADP ribosylhydrolase 2; plus strand). Cytogenetic location: 20p12.1.
Variant type: single nucleotide variant.
Coding change: c.1343C>T on transcript NM_198391.3 (MANE Select); coding-DNA position 1343, C replaced by T.
Protein change: p.Ala448Val; replaces alanine 448 with valine.
Molecular consequence: missense variant. On other transcripts: intron variant (3).
Genome position (GRCh38, 1-based): chr20:14,326,164, G>A on the plus strand (C>T on the coding strand, the complement: FLRT3 is on the minus strand). VCF-style: chr20-14326164-G-A. GRCh37 (hg19) VCF-style: chr20-14306810-G-A.
Other names: c.272-167315G>A (NM_001351661.2, NM_001351663.2, NM_080676.6); c.1343C>T, p.Ala448Val (NM_013281.4); short protein forms A448V.
Identifiers: ClinVar variation 3714802 (VCV003714802.2).

ClinVar aggregate classification (germline): Uncertain significance (1 of 4 stars; one submission).

gnomAD v4.1: 18 of 1,613,740 alleles (0.0011%); highest among the groups gnomAD compares: Non-Finnish European, 0.0014%; no homozygotes.

Submission:

Labcorp Genetics (formerly Invitae), Labcorp
Classification: Uncertain significance. Last evaluated: 2024-12-23. Review status: criteria provided, single submitter. Criteria: Invitae Variant Classification Sherloc (09022015). Collection method: clinical testing. Allele origin: germline.
Comment: This sequence change replaces alanine, which is neutral and non-polar, with valine, which is neutral and non-polar, at codon 448 of the FLRT3 protein (p.Ala448Val). This variant is present in population databases (rs749984721, gnomAD 0.004%). This variant has not been reported in the literature in individuals affected with FLRT3-related conditions. Invitae Evidence Modeling of protein sequence and biophysical properties (such as structural, functional, and spatial information, amino acid conservation, physicochemical variation, residue mobility, and thermodynamic stability) indicates that this missense variant is not expected to disrupt FLRT3 protein function with a negative predictive value of 80%. In summary, the available evidence is currently insufficient to determine the role of this variant in disease. Therefore, it has been classified as a Variant of Uncertain Significance.